The following is an entry in ClinVar:

ClinVar aggregate classification (germline): Uncertain significance. Review status: criteria provided, single submitter (1 of 4 stars). 2 submissions from 2 submitters: Uncertain significance (1). 1 of the submissions does not count toward it. Last evaluated 2023-12-06.

Conditions:
Autosomal recessive retinitis pigmentosa. Identifiers: MedGen C0339526.

Allele frequency attached by ClinVar (database versions not stated): gnomAD 0.00001; gnomAD exomes 0.00001 and 0.00005; TOPMed 0.00002.
gnomAD v4.1: 69 of 1,551,138 alleles (0.0044%); highest among the groups gnomAD compares: Non-Finnish European, 0.0059%; no homozygotes.

Submissions (2):

Labcorp Genetics (formerly Invitae), Labcorp
Classification: Uncertain significance. Last evaluated: 2023-12-06. Review status: criteria provided, single submitter. Criteria: Invitae Variant Classification Sherloc (09022015). Collection method: clinical testing. Allele origin: germline.
Comment: This sequence change replaces aspartic acid, which is acidic and polar, with asparagine, which is neutral and polar, at codon 1344 of the EYS protein (p.Asp1344Asn). This variant is present in population databases (no rsID available, gnomAD 0.004%). This variant has not been reported in the literature in individuals affected with EYS-related conditions. ClinVar contains an entry for this variant (Variation ID: 853151). Algorithms developed to predict the effect of missense changes on protein structure and function output the following: SIFT: "Not Available"; PolyPhen-2: "Benign"; Align-GVGD: "Not Available". The asparagine amino acid residue is found in multiple mammalian species, which suggests that this missense change does not adversely affect protein function. In summary, the available evidence is currently insufficient to determine the role of this variant in disease. Therefore, it has been classified as a Variant of Uncertain Significance.

Natera, Inc.
Classification: Uncertain significance for Autosomal recessive retinitis pigmentosa. Last evaluated: 2020-09-16. Review status: no assertion criteria provided. Collection method: clinical testing. Allele origin: germline. Not counted in ClinVar's aggregate classification.

NM_001142800.2(EYS):c.4030G>A (p.Asp1344Asn)

Gene: EYS (eyes shut homolog; minus strand). Cytogenetic location: 6q12.
Variant type: single nucleotide variant.
Coding change: c.4030G>A on transcript NM_001142800.2 (MANE Select); coding-DNA position 4030, G replaced by A.
Protein change: p.Asp1344Asn; replaces aspartic acid 1344 with asparagine.
Molecular consequence: missense variant.
Genome position (GRCh38, 1-based): chr6:64,591,837, C>T on the plus strand (G>A on the coding strand, the complement: EYS is on the minus strand). VCF-style: chr6-64591837-C-T. GRCh37 (hg19) VCF-style: chr6-65301730-C-T.
Other names: c.4030G>A, p.Asp1344Asn (NM_001292009.2); short protein forms D1344N.
Identifiers: ClinVar variation 853151 (VCV000853151.5), dbSNP rs980448170, ClinGen allele CA140340977.